The following is an entry in ClinVar:

Conditions:
Breast-ovarian cancer, familial, susceptibility to, 1 (BROVCA1). Also called: BRCA1 Hereditary Breast and Ovarian Cancer; OVARIAN CANCER, SUSCEPTIBILITY TO. Identifiers: Orphanet 145, MedGen C2676676, MONDO:0011450, OMIM 604370. Disease mechanism: loss of function.

Submission:

Brotman Baty Institute, University of Washington
No classification provided (evidence only). Condition: Breast-ovarian cancer, familial 1. Review status: no classification provided. Collection method: in vitro. Allele origin: not applicable. Functional consequence: functionally_normal.
ClinVar note: "not provided" was previously submitted as the classification for the variant. However, the classification appeared to be based only on an observation of functional data so it was converted to no classification on 2025-07-30.

NM_007294.4(BRCA1):c.5466T>G (p.His1822Gln)

Gene: BRCA1 (BRCA1 DNA repair associated; minus strand). Cytogenetic location: 17q21.31.
Variant type: single nucleotide variant.
Coding change: c.5466T>G on transcript NM_007294.4 (MANE Select); coding-DNA position 5466, T replaced by G.
Protein change: p.His1822Gln; replaces histidine 1822 with glutamine.
Molecular consequence: missense variant. On other transcripts: non-coding transcript variant (1).
Genome position (GRCh38, 1-based): chr17:43,047,644, A>C on the plus strand (T>G on the coding strand, the complement: BRCA1 is on the minus strand). VCF-style: chr17-43047644-A-C. GRCh37 (hg19) VCF-style: chr17-41199661-A-C.
Other names: c.5343T>G, p.His1781Gln (NM_001407664.1, NM_001407665.1, NM_001407666.1 and 3 more transcripts); c.5340T>G, p.His1780Gln (NM_001407670.1, NM_001407671.1, NM_001407672.1 and 8 more transcripts); c.5337T>G, p.His1779Gln (NM_001407683.1, NM_001407684.1, NM_001407685.1 and 6 more transcripts); c.5334T>G, p.His1778Gln (NM_001407690.1, NM_001407691.1); c.5325T>G, p.His1775Gln (NM_001407692.1, NM_001407728.1, NM_001407729.1 and 12 more transcripts); c.5322T>G, p.His1774Gln (NM_001407732.1, NM_001407733.1, NM_001407734.1 and 18 more transcripts); c.2037T>G, p.His679Gln (NM_001408422.1, NM_001408423.1, NM_001408424.1 and 1 more transcripts); c.2034T>G, p.His678Gln (NM_001408425.1, NM_001408426.1, NM_001408427.1 and 4 more transcripts); and 83 more; short protein forms C694G, H1822Q, H718Q, H1775Q, H1843Q, H1525Q, H1653Q, H1668Q.
Identifiers: ClinVar variation 868920 (VCV000868920.3), dbSNP rs886052975, ClinGen allele CA10590420.